The following is an entry in ClinVar:

ClinVar aggregate classification (germline): Uncertain significance (1 of 4 stars; one submission).

Conditions:
Severe combined immunodeficiency due to IKK2 deficiency. Also called: Immunodeficiency 15; IMMUNODEFICIENCY 15B. Identifiers: Orphanet 397787, MedGen C4747743, MONDO:0014267, OMIM 615592.

gnomAD v4.1: 1 of 1,614,000 alleles (0.000062%); highest among the groups gnomAD compares: South Asian, 0.0011%; no homozygotes.

Submission:

Labcorp Genetics (formerly Invitae), Labcorp
Classification: Uncertain significance for Severe combined immunodeficiency due to IKK2 deficiency. Last evaluated: 2022-02-08. Review status: criteria provided, single submitter. Criteria: Invitae Variant Classification Sherloc (09022015). Collection method: clinical testing. Allele origin: germline.
Comment: This variant is not present in population databases (gnomAD no frequency). In summary, the available evidence is currently insufficient to determine the role of this variant in disease. Therefore, it has been classified as a Variant of Uncertain Significance. Algorithms developed to predict the effect of missense changes on protein structure and function (SIFT, PolyPhen-2, Align-GVGD) all suggest that this variant is likely to be tolerated. This variant has not been reported in the literature in individuals affected with IKBKB-related conditions. This sequence change replaces lysine, which is basic and polar, with threonine, which is neutral and polar, at codon 375 of the IKBKB protein (p.Lys375Thr).

NM_001556.3(IKBKB):c.1124A>C (p.Lys375Thr)

Gene: IKBKB (inhibitor of nuclear factor kappa B kinase subunit beta; plus strand). Cytogenetic location: 8p11.21.
Variant type: single nucleotide variant.
Coding change: c.1124A>C on transcript NM_001556.3 (MANE Select); coding-DNA position 1124, A replaced by C.
Protein change: p.Lys375Thr; replaces lysine 375 with threonine.
Molecular consequence: missense variant. On other transcripts: non-coding transcript variant (3).
Genome position (GRCh38, 1-based): chr8:42,316,903, A>C. VCF-style: chr8-42316903-A-C. GRCh37 (hg19) VCF-style: chr8-42174421-A-C.
Other names: c.932A>C, p.Lys311Thr (NM_001190720.3); c.947A>C, p.Lys316Thr (NM_001242778.2); short protein forms K311T, K375T, K316T.
Identifiers: ClinVar variation 1473141 (VCV001473141.8), dbSNP rs1585763391, ClinGen allele CA371085693.